The following is an entry in ClinVar:

NM_004700.4(KCNQ4):c.1976T>C (p.Leu659Pro)

Gene: KCNQ4 (potassium voltage-gated channel subfamily Q member 4; plus strand). Cytogenetic location: 1p34.2.
Variant type: single nucleotide variant.
Coding change: c.1976T>C on transcript NM_004700.4 (MANE Select); coding-DNA position 1976, T replaced by C.
Protein change: p.Leu659Pro; replaces leucine 659 with proline.
Molecular consequence: missense variant.
Genome position (GRCh38, 1-based): chr1:40,838,411, T>C. VCF-style: chr1-40838411-T-C. GRCh37 (hg19) VCF-style: chr1-41304083-T-C.
Other names: c.1814T>C, p.Leu605Pro (NM_172163.3); short protein forms L605P, L659P.
Identifiers: ClinVar variation 1442704 (VCV001442704.6), dbSNP rs757820200, ClinGen allele CA795051.
Genomic context (GRCh38, chr1:40,838,411, plus strand): 5'-TCTATTCGCGCTGCCTGCGCTCTGGCACCTCGGCCAGCCTGGGCGCCGTGCAAGTGCCGC[T>C]GTTCGACCCCGACATCACCTCCGACTACCACAGCCCTGTGGACCACGAGGACATCTCCGT-3'
Protein context (NP_004691.2, residues 649-669): SASLGAVQVP[Leu659Pro]FDPDITSDYH

ClinVar aggregate classification (germline): Uncertain significance (1 of 4 stars; one submission).

Allele frequency attached by ClinVar (database versions not stated): gnomAD 0.00001; gnomAD exomes 0.00001 and 0.00003; TOPMed 0.00001; ExAC 0.00004.
gnomAD v4.1: 15 of 1,613,998 alleles (0.00093%); highest among the groups gnomAD compares: South Asian, 0.014%; no homozygotes.

Submission:

Labcorp Genetics (formerly Invitae), Labcorp
Classification: Uncertain significance. Last evaluated: 2021-08-07. Review status: criteria provided, single submitter. Criteria: Invitae Variant Classification Sherloc (09022015). Collection method: clinical testing. Allele origin: germline.
Comment: In summary, the available evidence is currently insufficient to determine the role of this variant in disease. Therefore, it has been classified as a Variant of Uncertain Significance. Advanced modeling of protein sequence and biophysical properties (such as structural, functional, and spatial information, amino acid conservation, physicochemical variation, residue mobility, and thermodynamic stability) performed at Invitae indicates that this missense variant is not expected to disrupt KCNQ4 protein function. This variant has not been reported in the literature in individuals affected with KCNQ4-related conditions. This variant is present in population databases (rs757820200, ExAC 0.03%). This sequence change replaces leucine with proline at codon 659 of the KCNQ4 protein (p.Leu659Pro). The leucine residue is moderately conserved and there is a moderate physicochemical difference between leucine and proline.